The following is an entry in ClinVar:

ClinVar aggregate classification (germline): Uncertain significance (1 of 4 stars; one submission).

Submission:

Ambry Genetics
Classification: Uncertain significance. Last evaluated: 2024-09-30. Review status: criteria provided, single submitter. Criteria: Ambry Variant Classification Scheme 2023. Collection method: clinical testing. Allele origin: germline.
Comment: The p.N827I variant (also known as c.2480A>T), located in coding exon 21 of the BUB1 gene, results from an A to T substitution at nucleotide position 2480. The asparagine at codon 827 is replaced by isoleucine, an amino acid with dissimilar properties. This amino acid position is conserved. In addition, this alteration is predicted to be tolerated by in silico analysis. Since supporting evidence is limited at this time, the clinical significance of this alteration remains unclear.

NM_004336.5(BUB1):c.2480A>T (p.Asn827Ile)

Gene: BUB1 (BUB1 mitotic checkpoint serine/threonine kinase; minus strand). Cytogenetic location: 2q13.
Variant type: single nucleotide variant.
Coding change: c.2480A>T on transcript NM_004336.5 (MANE Select); coding-DNA position 2480, A replaced by T.
Protein change: p.Asn827Ile; replaces asparagine 827 with isoleucine.
Molecular consequence: missense variant.
Genome position (GRCh38, 1-based): chr2:110,641,787, T>A on the plus strand (A>T on the coding strand, the complement: BUB1 is on the minus strand). VCF-style: chr2-110641787-T-A. GRCh37 (hg19) VCF-style: chr2-111399364-T-A.
Other names: c.2420A>T, p.Asn807Ile (NM_001278616.2); c.2480A>T, p.Asn827Ile (NM_001278617.2); short protein forms N807I, N827I.
Identifiers: ClinVar variation 1791910 (VCV001791910.3), dbSNP rs2467972424, ClinGen allele CA348090633.